The following is an entry in ClinVar:

NM_000520.6(HEXA):c.163C>T (p.Gln55Ter)

Gene: HEXA (hexosaminidase subunit alpha; minus strand). Cytogenetic location: 15q23.
Variant type: single nucleotide variant.
Coding change: c.163C>T on transcript NM_000520.6 (MANE Select); coding-DNA position 163, C replaced by T.
Protein change: p.Gln55Ter; replaces glutamine 55 with a stop codon.
Molecular consequence: nonsense. On other transcripts: non-coding transcript variant (1).
Genome position (GRCh38, 1-based): chr15:72,375,810, G>A on the plus strand (C>T on the coding strand, the complement: HEXA is on the minus strand). VCF-style: chr15-72375810-G-A. GRCh37 (hg19) VCF-style: chr15-72668151-G-A.
Other names: c.163C>T, p.Gln55Ter (NM_001318825.2); short protein forms Q55*.
Identifiers: ClinVar variation 4069130 (VCV004069130.2).

ClinVar aggregate classification (germline): Likely pathogenic (1 of 4 stars; one submission).

Conditions:
Tay-Sachs disease (TSD). Also called: HEXA DEFICIENCY; GM2 gangliosidosis, type 1; Hexosaminidase alpha-subunit deficiency (variant B); Sphingolipidosis, Tay-Sachs; HEXA Disorders; Hexosaminidase A Deficiency. Identifiers: Orphanet 845, MedGen C0039373, MONDO:0010100, OMIM 272800.

Submission:

Natera, Inc.
Classification: Likely pathogenic for Tay-Sachs disease. Last evaluated: 2025-05-20. Review status: criteria provided, single submitter. Criteria: Natera Variant Classification Schema (03/2026). Collection method: clinical testing. Allele origin: germline.
Comment: The c.163C>T variant in HEXA is a nonsense variant predicted to introduce a stop codon at amino acid 55. This variant is expected to result in nonsense mediated decay, truncation, or a dysfunctional protein product. This variant is rare in the general population with a frequency below the threshold expected for the associated phenotype(s). Given the available evidence, this variant is classified as Likely Pathogenic.